The following is an entry in ClinVar:

NM_024105.4(ALG12):c.1183G>A (p.Val395Met)

Gene: ALG12 (ALG12 alpha-1,6-mannosyltransferase; minus strand). Cytogenetic location: 22q13.33.
Variant type: single nucleotide variant.
Coding change: c.1183G>A on transcript NM_024105.4 (MANE Select); coding-DNA position 1183, G replaced by A.
Protein change: p.Val395Met; replaces valine 395 with methionine.
Molecular consequence: missense variant.
Genome position (GRCh38, 1-based): chr22:49,904,234, C>T on the plus strand (G>A on the coding strand, the complement: ALG12 is on the minus strand). VCF-style: chr22-49904234-C-T. GRCh37 (hg19) VCF-style: chr22-50297882-C-T.
Other names: short protein forms V395M.
Identifiers: ClinVar variation 1352078 (VCV001352078.4), dbSNP rs759024738, ClinGen allele CA10300302.

ClinVar aggregate classification (germline): Uncertain significance (1 of 4 stars; one submission).

Conditions:
ALG12-congenital disorder of glycosylation (CDG1G). Also called: CDG Ig; ALG12-CDG; Congenital disorder of glycosylation, type Ig. Identifiers: Orphanet 79324, MedGen C2931001, MONDO:0011783, OMIM 607143.

Allele frequency attached by ClinVar (database versions not stated): gnomAD exomes 0.00002; ExAC 0.00003.

Submission:

Labcorp Genetics (formerly Invitae), Labcorp
Classification: Uncertain significance for ALG12-congenital disorder of glycosylation. Last evaluated: 2023-10-03. Review status: criteria provided, single submitter. Criteria: Invitae Variant Classification Sherloc (09022015). Collection method: clinical testing. Allele origin: germline.
Comment: This sequence change replaces valine, which is neutral and non-polar, with methionine, which is neutral and non-polar, at codon 395 of the ALG12 protein (p.Val395Met). This variant is present in population databases (rs759024738, gnomAD 0.004%). This variant has not been reported in the literature in individuals affected with ALG12-related conditions. ClinVar contains an entry for this variant (Variation ID: 1352078). Advanced modeling of protein sequence and biophysical properties (such as structural, functional, and spatial information, amino acid conservation, physicochemical variation, residue mobility, and thermodynamic stability) performed at Invitae indicates that this missense variant is not expected to disrupt ALG12 protein function. In summary, the available evidence is currently insufficient to determine the role of this variant in disease. Therefore, it has been classified as a Variant of Uncertain Significance.